The following is an entry in ClinVar:

ClinVar aggregate classification (germline): Uncertain significance (1 of 4 stars; one submission).

Conditions:
Autosomal recessive ataxia, Beauce type. Also called: SYNE1-Related Autosomal Recessive Cerebellar Ataxia; SYNE1 Deficiency; Spinocerebellar ataxia, autosomal recessive 8; ATAXIA, RECESSIVE, OF BEAUCE. Identifiers: Orphanet 88644, MedGen C1853116, MONDO:0012549, OMIM 610743.
Emery-Dreifuss muscular dystrophy 4, autosomal dominant (EDMD4). Also called: EMERY-DREIFUSS MUSCULAR DYSTROPHY 4 WITH VARIABLE FEATURES. Identifiers: Orphanet 261, MedGen C2751807, MONDO:0013071, OMIM 612998.

Allele frequency attached by ClinVar (database versions not stated): gnomAD exomes below 0.00001 and 0.00001; ExAC 0.00001.
gnomAD v4.1: 5 of 1,613,910 alleles (0.00031%); highest among the groups gnomAD compares: East Asian, 0.0022%; no homozygotes.

Submission:

Labcorp Genetics (formerly Invitae), Labcorp
Classification: Uncertain significance for Emery-Dreifuss muscular dystrophy 4, autosomal dominant; Autosomal recessive ataxia, Beauce type. Last evaluated: 2021-11-26. Review status: criteria provided, single submitter. Criteria: Invitae Variant Classification Sherloc (09022015). Collection method: clinical testing. Allele origin: germline.
Comment: This sequence change replaces methionine, which is neutral and non-polar, with isoleucine, which is neutral and non-polar, at codon 713 of the SYNE1 protein (p.Met713Ile). This variant is present in population databases (rs757676303, gnomAD 0.005%). This variant has not been reported in the literature in individuals affected with SYNE1-related conditions. Algorithms developed to predict the effect of missense changes on protein structure and function (SIFT, PolyPhen-2, Align-GVGD) all suggest that this variant is likely to be tolerated. In summary, the available evidence is currently insufficient to determine the role of this variant in disease. Therefore, it has been classified as a Variant of Uncertain Significance.

NM_182961.4(SYNE1):c.2118G>A (p.Met706Ile)

Gene: SYNE1 (spectrin repeat containing nuclear envelope protein 1; minus strand). Cytogenetic location: 6q25.2.
Variant type: single nucleotide variant.
Coding change: c.2118G>A on transcript NM_182961.4 (MANE Select); coding-DNA position 2118, G replaced by A.
Protein change: p.Met706Ile; replaces methionine 706 with isoleucine.
Molecular consequence: missense variant.
Genome position (GRCh38, 1-based): chr6:152,462,870, C>T on the plus strand (G>A on the coding strand, the complement: SYNE1 is on the minus strand). VCF-style: chr6-152462870-C-T. GRCh37 (hg19) VCF-style: chr6-152784005-C-T.
Other names: c.2139G>A, p.Met713Ile (NM_033071.5); short protein forms M713I, M706I.
Identifiers: ClinVar variation 1359990 (VCV001359990.3), dbSNP rs757676303, ClinGen allele CA4059213.